The following is an entry in ClinVar:

ClinVar aggregate classification (germline): Uncertain significance (1 of 4 stars; one submission).

Submission:

Labcorp Genetics (formerly Invitae), Labcorp
Classification: Uncertain significance. Last evaluated: 2021-10-24. Review status: criteria provided, single submitter. Criteria: Invitae Variant Classification Sherloc (09022015). Collection method: clinical testing. Allele origin: germline.
Comment: In summary, the available evidence is currently insufficient to determine the role of this variant in disease. Therefore, it has been classified as a Variant of Uncertain Significance. Algorithms developed to predict the effect of missense changes on protein structure and function (SIFT, PolyPhen-2, Align-GVGD) all suggest that this variant is likely to be tolerated. This variant has not been reported in the literature in individuals affected with EIF2AK3-related conditions. This variant is not present in population databases (ExAC no frequency). This sequence change replaces serine with arginine at codon 930 of the EIF2AK3 protein (p.Ser930Arg). The serine residue is moderately conserved and there is a moderate physicochemical difference between serine and arginine.

NM_004836.7(EIF2AK3):c.2790T>A (p.Ser930Arg)

Genes: EIF2AK3 (eukaryotic translation initiation factor 2 alpha kinase 3; minus strand), EIF2AK3-AS1 (EIF2AK3 antisense RNA 1; plus strand). Cytogenetic location: 2p11.2.
Variant type: single nucleotide variant.
Coding change: c.2790T>A on transcript NM_004836.7 (MANE Select); coding-DNA position 2790, T replaced by A.
Protein change: p.Ser930Arg; replaces serine 930 with arginine.
Molecular consequence: missense variant. On other transcripts: non-coding transcript variant (1).
Genome position (GRCh38, 1-based): chr2:88,574,693, A>T on the plus strand (T>A on the coding strand, the complement: EIF2AK3 is on the minus strand). VCF-style: chr2-88574693-A-T. GRCh37 (hg19) VCF-style: chr2-88874211-A-T.
Other names: c.2337T>A, p.Ser779Arg (NM_001313915.2); short protein forms S930R, S779R.
Identifiers: ClinVar variation 1388987 (VCV001388987.6), dbSNP rs2104410202, ClinGen allele CA347589110.